The following is an entry in ClinVar:

NM_001206744.2(TPO):c.2507G>C (p.Arg836Thr)

Genes: LALTOP (lung cancer associated lncRNA targeting TOP2A; minus strand), TPO (thyroid peroxidase; plus strand). Cytogenetic location: 2p25.3.
Variant type: single nucleotide variant.
Coding change: c.2507G>C on transcript NM_001206744.2 (MANE Select); coding-DNA position 2507, G replaced by C.
Protein change: p.Arg836Thr; replaces arginine 836 with threonine.
Molecular consequence: missense variant. On other transcripts: intron variant (1).
Genome position (GRCh38, 1-based): chr2:1,504,068, G>C. VCF-style: chr2-1504068-G-C. GRCh37 (hg19) VCF-style: chr2-1507840-G-C.
Other names: c.2507G>C, p.Arg836Thr (NM_000547.6); c.2336G>C, p.Arg779Thr (NM_001206745.2, NM_175719.4); c.1988G>C, p.Arg663Thr (NM_175722.3); c.2386+7303G>C (NM_175721.3); short protein forms R663T, R779T, R836T.
Identifiers: ClinVar variation 1306072 (VCV001306072.2), dbSNP rs2125001500, ClinGen allele CA345693606.

ClinVar aggregate classification (germline): Uncertain significance (1 of 4 stars; one submission).

Submission:

GeneDx
Classification: Uncertain significance. Last evaluated: 2019-05-29. Review status: criteria provided, single submitter. Criteria: GeneDx Variant Classification Process June 2021. Collection method: clinical testing. Allele origin: germline. Affected: yes.
Comment: Not observed in large population cohorts (Lek et al., 2016); In silico analysis, which includes protein predictors and evolutionary conservation, supports a deleterious effect; Has not been previously published as pathogenic or benign to our knowledge